The following is an entry in ClinVar:

NM_020856.4(TSHZ3):c.40+6A>G

Gene: TSHZ3 (teashirt zinc finger homeobox 3; minus strand). Cytogenetic location: 19q12.
Variant type: single nucleotide variant.
Coding change: c.40+6A>G on transcript NM_020856.4 (MANE Select); 6 bases into the intron after coding-DNA position 40, A replaced by G.
Molecular consequence: intron variant.
Genome position (GRCh38, 1-based): chr19:31,349,174, T>C on the plus strand (A>G on the coding strand, the complement: TSHZ3 is on the minus strand). VCF-style: chr19-31349174-T-C. GRCh37 (hg19) VCF-style: chr19-31840080-T-C.
Identifiers: ClinVar variation 3053314 (VCV003053314.2), dbSNP rs188105336, ClinGen allele CA9354568.

ClinVar aggregate classification (germline): Likely benign (0 of 4 stars; one submission).

Conditions:
TSHZ3-related disorder. Also called: TSHZ3-related condition.

Allele frequency attached by ClinVar (database versions not stated): ExAC 0.00007; 1000 Genomes Project 30x 0.00031; gnomAD exomes 0.00035; 1000 Genomes Project 0.00040; TOPMed 0.00040; gnomAD 0.00045.
gnomAD v4.1: 552 of 1,541,492 alleles (0.036%); highest among the groups gnomAD compares: Admixed American, 0.069%; 1 homozygote.

Submission:

PreventionGenetics, part of Exact Sciences
Classification: Likely benign for TSHZ3-related condition. Last evaluated: 2020-01-24. Review status: no assertion criteria provided. Collection method: clinical testing. Allele origin: germline.
Comment: This variant is classified as likely benign based on ACMG/AMP sequence variant interpretation guidelines (Richards et al. 2015 PMID: 25741868, with internal and published modifications).